The following is an entry in ClinVar:

NM_004336.5(BUB1):c.1102G>A (p.Ala368Thr)

Gene: BUB1 (BUB1 mitotic checkpoint serine/threonine kinase; minus strand). Cytogenetic location: 2q13.
Variant type: single nucleotide variant.
Coding change: c.1102G>A on transcript NM_004336.5 (MANE Select); coding-DNA position 1102, G replaced by A.
Protein change: p.Ala368Thr; replaces alanine 368 with threonine.
Molecular consequence: missense variant.
Genome position (GRCh38, 1-based): chr2:110,661,697, C>T on the plus strand (G>A on the coding strand, the complement: BUB1 is on the minus strand). VCF-style: chr2-110661697-C-T. GRCh37 (hg19) VCF-style: chr2-111419274-C-T.
Other names: c.1042G>A, p.Ala348Thr (NM_001278616.2); c.1102G>A, p.Ala368Thr (NM_001278617.2); short protein forms A348T, A368T.
Identifiers: ClinVar variation 1792829 (VCV001792829.2), dbSNP rs2468017440, ClinGen allele CA348214409.

ClinVar aggregate classification (germline): Uncertain significance (1 of 4 stars; one submission).

Submission:

Ambry Genetics
Classification: Uncertain significance. Last evaluated: 2022-07-19. Review status: criteria provided, single submitter. Criteria: Ambry Variant Classification Scheme 2023. Collection method: clinical testing. Allele origin: germline.
Comment: The p.A368T variant (also known as c.1102G>A), located in coding exon 10 of the BUB1 gene, results from a G to A substitution at nucleotide position 1102. The alanine at codon 368 is replaced by threonine, an amino acid with similar properties. This amino acid position is conserved. In addition, this alteration is predicted to be tolerated by in silico analysis. Since supporting evidence is limited at this time, the clinical significance of this alteration remains unclear.